The following is an entry in ClinVar:

NM_006080.3(SEMA3A):c.787G>A (p.Ala263Thr)

Gene: SEMA3A (semaphorin 3A; minus strand). Cytogenetic location: 7q21.11.
Variant type: single nucleotide variant.
Coding change: c.787G>A on transcript NM_006080.3 (MANE Select); coding-DNA position 787, G replaced by A.
Protein change: p.Ala263Thr; replaces alanine 263 with threonine.
Molecular consequence: missense variant.
Genome position (GRCh38, 1-based): chr7:84,014,232, C>T on the plus strand (G>A on the coding strand, the complement: SEMA3A is on the minus strand). VCF-style: chr7-84014232-C-T. GRCh37 (hg19) VCF-style: chr7-83643548-C-T.
Other names: short protein forms A263T.
Identifiers: ClinVar variation 2634267 (VCV002634267.5), dbSNP rs780116106, ClinGen allele CA4322921.

ClinVar aggregate classification (germline): Uncertain significance. Review status: criteria provided, multiple submitters, no conflicts (2 of 4 stars). 2 submissions from 2 submitters: Uncertain significance (2). Last evaluated 2026-06-17.

Conditions:
SEMA3A-related disorder. Also called: SEMA3A-related condition.
Inborn genetic diseases. Identifiers: MedGen C0950123, MeSH D030342.

Allele frequency attached by ClinVar (database versions not stated): ExAC 0.00007; gnomAD 0.00009; TOPMed 0.00012.

Submissions (2):

PreventionGenetics, part of Exact Sciences
Classification: Uncertain significance for SEMA3A-related condition. Last evaluated: 2026-06-17. Review status: criteria provided, single submitter. Criteria: ACMG Guidelines, 2015. Collection method: clinical testing. Allele origin: germline.
Comment: The SEMA3A c.787G>A variant is predicted to result in the amino acid substitution p.Ala263Thr. To our knowledge, this variant has not been reported in the literature. This variant is reported in 0.015% of alleles in individuals of European (Non-Finnish) descent in gnomAD. Although we suspect that this variant may be benign, at this time, the clinical significance of this variant is uncertain due to the absence of conclusive functional and genetic evidence.

Ambry Genetics
Classification: Uncertain significance for Inborn genetic diseases. Last evaluated: 2025-02-22. Review status: criteria provided, single submitter. Criteria: Ambry Variant Classification Scheme 2023. Collection method: clinical testing. Allele origin: germline.